The following is an entry in ClinVar:

ClinVar aggregate classification (germline): Pathogenic (1 of 4 stars; one submission).

Submission:

ISCA site 4
Classification: Pathogenic. Last evaluated: 2011-08-12. Review status: criteria provided, single submitter. Criteria: Kaminsky et al. (Genet Med. 2011). Collection method: clinical testing. Allele origin: unknown. Affected: yes. Observed: 1 variant allele.
Comment: Copy number variation identified through the course of routine clinical cytogenomic testing in postnatal populations. Clinical assertions have been curated as described in Kaminsky et al. 2011.

GRCh38/hg38 21q22.3(chr21:42232926-46670405)x1

Genes: LRRC3 (leucine rich repeat containing 3; plus strand), LRRC3-DT (LRRC3 divergent transcript; minus strand), LSS (lanosterol synthase; minus strand), MCM3AP (minichromosome maintenance complex component 3 associated protein; minus strand), MCM3AP-AS1 (MCM3AP antisense RNA 1; plus strand) and 332 more. Cytogenetic location: 21q22.3.
Variant type: copy number loss.
Change: copy number 1 (one copy instead of two) of chr21:42,232,926-46,670,405 (4.44 Mb, GRCh38 coordinates, 1-based), cytogenetic band 21q22.3.
Identifiers: ClinVar variation 57115 (VCV000057115.1).